The following is an entry in ClinVar:

NM_014975.3(MAST1):c.2719G>A (p.Gly907Ser)

Gene: MAST1 (microtubule associated serine/threonine kinase 1; plus strand). Cytogenetic location: 19p13.13.
Variant type: single nucleotide variant.
Coding change: c.2719G>A on transcript NM_014975.3 (MANE Select); coding-DNA position 2719, G replaced by A.
Protein change: p.Gly907Ser; replaces glycine 907 with serine.
Molecular consequence: missense variant.
Genome position (GRCh38, 1-based): chr19:12,868,795, G>A. VCF-style: chr19-12868795-G-A. GRCh37 (hg19) VCF-style: chr19-12979609-G-A.
Other names: short protein forms G907S.
Identifiers: ClinVar variation 3649094 (VCV003649094.2).

ClinVar aggregate classification (germline): Uncertain significance (1 of 4 stars; one submission).

gnomAD v4.1: 4 of 1,606,786 alleles (0.00025%); highest among the groups gnomAD compares: Non-Finnish European, 0.00034%; no homozygotes.

Submission:

Labcorp Genetics (formerly Invitae), Labcorp
Classification: Uncertain significance. Last evaluated: 2024-04-13. Review status: criteria provided, single submitter. Criteria: Invitae Variant Classification Sherloc (09022015). Collection method: clinical testing. Allele origin: germline.
Comment: This sequence change replaces glycine, which is neutral and non-polar, with serine, which is neutral and polar, at codon 907 of the MAST1 protein (p.Gly907Ser). This variant is not present in population databases (gnomAD no frequency). This variant has not been reported in the literature in individuals affected with MAST1-related conditions. An algorithm developed to predict the effect of missense changes on protein structure and function (PolyPhen-2) suggests that this variant is likely to be tolerated. In summary, the available evidence is currently insufficient to determine the role of this variant in disease. Therefore, it has been classified as a Variant of Uncertain Significance.